The following is an entry in ClinVar:

NM_001127222.2(CACNA1A):c.5032C>A (p.Arg1678Ser)

Gene: CACNA1A (calcium voltage-gated channel subunit alpha1 A; minus strand). Cytogenetic location: 19p13.13.
Variant type: single nucleotide variant.
Coding change: c.5032C>A on transcript NM_001127222.2 (MANE Select); coding-DNA position 5032, C replaced by A.
Protein change: p.Arg1678Ser; replaces arginine 1678 with serine.
Molecular consequence: missense variant.
Genome position (GRCh38, 1-based): chr19:13,235,649, G>T on the plus strand (C>A on the coding strand, the complement: CACNA1A is on the minus strand). VCF-style: chr19-13235649-G-T. GRCh37 (hg19) VCF-style: chr19-13346463-G-T.
Other names: c.5050C>A, p.Arg1684Ser (NM_000068.4, NM_023035.3); c.5035C>A, p.Arg1679Ser (NM_001127221.2); c.5041C>A, p.Arg1681Ser (NM_001174080.2); short protein forms R1681S, R1684S, R1678S, R1679S.
Identifiers: ClinVar variation 2035991 (VCV002035991.4), dbSNP rs121908243, ClinGen allele CA404336682.

ClinVar aggregate classification (germline): Likely pathogenic (1 of 4 stars; one submission).

Conditions:
Episodic ataxia type 2 (EA2). Also called: ATAXIA, EPISODIC, WITH NYSTAGMUS; ATAXIA, FAMILIAL PAROXYSMAL; CEREBELLAR ATAXIA, PAROXYSMAL, ACETAZOLAMIDE-RESPONSIVE; CEREBELLOPATHY, HEREDITARY PAROXYSMAL; ACETAZOLAMIDE-RESPONSIVE HEREDITARY PAROXYSMAL CEREBELLAR ATAXIA; EPISODIC ATAXIA, NYSTAGMUS-ASSOCIATED. Identifiers: Orphanet 97, MedGen C1720416, MONDO:0007163, OMIM 108500.
Developmental and epileptic encephalopathy, 42 (DEE42A). Also called: Epileptic encephalopathy, early infantile, 42; DEVELOPMENTAL AND EPILEPTIC ENCEPHALOPATHY 42A; EPILEPTIC ENCEPHALOPATHY, EARLY INFANTILE, 42A. Identifiers: MedGen C4310716, MONDO:0014917, OMIM 617106.

Submission:

Labcorp Genetics (formerly Invitae), Labcorp
Classification: Likely pathogenic for Developmental and epileptic encephalopathy, 42; Episodic ataxia type 2. Last evaluated: 2022-10-18. Review status: criteria provided, single submitter. Criteria: Invitae Variant Classification Sherloc (09022015). Collection method: clinical testing. Allele origin: germline.
Comment: This missense change has been observed in individual(s) with clinical features of episodic ataxia (Invitae). Advanced modeling of protein sequence and biophysical properties (such as structural, functional, and spatial information, amino acid conservation, physicochemical variation, residue mobility, and thermodynamic stability) performed at Invitae indicates that this missense variant is expected to disrupt CACNA1A protein function. This variant disrupts the p.Arg1679 amino acid residue in CACNA1A. Other variant(s) that disrupt this residue have been determined to be pathogenic (PMID: 20129625, 34085110). This suggests that this residue is clinically significant, and that variants that disrupt this residue are likely to be disease-causing. In summary, the currently available evidence indicates that the variant is pathogenic, but additional data are needed to prove that conclusively. Therefore, this variant has been classified as Likely Pathogenic. This variant is not present in population databases (gnomAD no frequency). This sequence change replaces arginine, which is basic and polar, with serine, which is neutral and polar, at codon 1679 of the CACNA1A protein (p.Arg1679Ser).

Literature cited by the submitters: PubMed 20129625; PubMed 34085110.